The following is an entry in ClinVar:

NM_003482.4(KMT2D):c.13528G>C (p.Glu4510Gln)

Gene: KMT2D (lysine methyltransferase 2D; minus strand). Cytogenetic location: 12q13.12.
Variant type: single nucleotide variant.
Coding change: c.13528G>C on transcript NM_003482.4 (MANE Select); coding-DNA position 13528, G replaced by C.
Protein change: p.Glu4510Gln; replaces glutamic acid 4510 with glutamine.
Molecular consequence: missense variant.
Genome position (GRCh38, 1-based): chr12:49,031,177, C>G on the plus strand (G>C on the coding strand, the complement: KMT2D is on the minus strand). VCF-style: chr12-49031177-C-G. GRCh37 (hg19) VCF-style: chr12-49424960-C-G.
Other names: short protein forms E4510Q.
Identifiers: ClinVar variation 3574671 (VCV003574671.3).
Genomic context (GRCh38, chr12:49,031,177, plus strand): 5'-TGCCCCCCGCTGGCTCTAGGACCCACTCTACCTGCTCCACTCTACTCAGAGTACTCACCT[C>G]CTTGTTGCTGGGGGTACCCTGTAGTTTCTGCTCCAGCCCAGCCAGCTTGCTGTCAATGTG-3'
Protein context (NP_003473.3, residues 4500-4520): QKLQGTPSNK[Glu4510Gln]DAAARKPLTP

ClinVar aggregate classification (germline): Uncertain significance. Review status: criteria provided, multiple submitters, no conflicts (2 of 4 stars). 2 submissions from 2 submitters: Uncertain significance (2). Last evaluated 2024-08-22.

Conditions:
Choanal atresia-athelia-hypothyroidism-delayed puberty-short stature syndrome (BCAHH). Also called: BRANCHIAL ARCH ABNORMALITIES, CHOANAL ATRESIA, ATHELIA, HEARING LOSS, AND HYPOTHYROIDISM SYNDROME. Identifiers: Orphanet 589856, MedGen C5680310, MONDO:0035651, OMIM 620186.
Kabuki syndrome 1 (KABUK1). Also called: KMT2D-Related Kabuki Syndrome. Identifiers: Orphanet 2322, MedGen CN030661, MONDO:0007843, OMIM 147920.
Kabuki syndrome. Also called: NIIKAWA-KUROKI SYNDROME; Kabuki make-up syndrome. Identifiers: Orphanet 2322, MedGen C0796004, MONDO:0016512.

gnomAD v4.1: 50 of 1,607,524 alleles (0.0031%); highest among the groups gnomAD compares: Non-Finnish European, 0.0043%; no homozygotes.

Submissions (2):

Labcorp Genetics (formerly Invitae), Labcorp
Classification: Uncertain significance for Kabuki syndrome. Last evaluated: 2024-08-22. Review status: criteria provided, single submitter. Criteria: Invitae Variant Classification Sherloc (09022015). Collection method: clinical testing. Allele origin: germline.
Comment: This sequence change replaces glutamic acid, which is acidic and polar, with glutamine, which is neutral and polar, at codon 4510 of the KMT2D protein (p.Glu4510Gln). This variant is present in population databases (rs755192379, gnomAD 0.002%). This variant has not been reported in the literature in individuals affected with KMT2D-related conditions. Experimental studies and prediction algorithms are not available or were not evaluated, and the functional significance of this variant is currently unknown. In summary, the available evidence is currently insufficient to determine the role of this variant in disease. Therefore, it has been classified as a Variant of Uncertain Significance.

Fulgent Genetics
Classification: Uncertain significance for Kabuki syndrome 1; Choanal atresia-athelia-hypothyroidism-delayed puberty-short stature syndrome. Last evaluated: 2024-01-08. Review status: criteria provided, single submitter. Criteria: ACMG Guidelines, 2015. Collection method: clinical testing. Allele origin: germline.